The following is an entry in ClinVar:

ClinVar aggregate classification (germline): Uncertain significance (1 of 4 stars; one submission).

Allele frequency attached by ClinVar (database versions not stated): ExAC 0.00001; gnomAD exomes 0.00001; TOPMed 0.00001.
gnomAD v4.1: 10 of 1,613,922 alleles (0.00062%); highest among the groups gnomAD compares: Admixed American, 0.0033%; no homozygotes.

Submission:

Labcorp Genetics (formerly Invitae), Labcorp
Classification: Uncertain significance. Last evaluated: 2022-12-31. Review status: criteria provided, single submitter. Criteria: Invitae Variant Classification Sherloc (09022015). Collection method: clinical testing. Allele origin: germline.
Comment: This variant has not been reported in the literature in individuals affected with WDR11-related conditions. This variant is present in population databases (rs778732282, gnomAD 0.009%). This sequence change replaces asparagine, which is neutral and polar, with serine, which is neutral and polar, at codon 245 of the WDR11 protein (p.Asn245Ser). Algorithms developed to predict the effect of missense changes on protein structure and function (SIFT, PolyPhen-2, Align-GVGD) all suggest that this variant is likely to be tolerated. In summary, the available evidence is currently insufficient to determine the role of this variant in disease. Therefore, it has been classified as a Variant of Uncertain Significance. Algorithms developed to predict the effect of sequence changes on RNA splicing suggest that this variant may disrupt the consensus splice site.

NM_018117.12(WDR11):c.734A>G (p.Asn245Ser)

Gene: WDR11 (WD repeat domain 11; plus strand). Cytogenetic location: 10q26.12.
Variant type: single nucleotide variant.
Coding change: c.734A>G on transcript NM_018117.12 (MANE Select); coding-DNA position 734, A replaced by G.
Protein change: p.Asn245Ser; replaces asparagine 245 with serine.
Molecular consequence: missense variant.
Genome position (GRCh38, 1-based): chr10:120,865,067, A>G. VCF-style: chr10-120865067-A-G. GRCh37 (hg19) VCF-style: chr10-122624579-A-G.
Other names: short protein forms N245S.
Identifiers: ClinVar variation 3000720 (VCV003000720.3), dbSNP rs778732282, ClinGen allele CA5719512.